The following is an entry in ClinVar:

NM_000217.3(KCNA1):c.644A>T (p.Asn215Ile)

Gene: KCNA1 (potassium voltage-gated channel subfamily A member 1; plus strand). Cytogenetic location: 12p13.32.
Variant type: single nucleotide variant.
Coding change: c.644A>T on transcript NM_000217.3 (MANE Select); coding-DNA position 644, A replaced by T.
Protein change: p.Asn215Ile; replaces asparagine 215 with isoleucine.
Molecular consequence: missense variant.
Genome position (GRCh38, 1-based): chr12:4,912,022, A>T. VCF-style: chr12-4912022-A-T. GRCh37 (hg19) VCF-style: chr12-5021188-A-T.
Other names: short protein forms N215I.
Identifiers: ClinVar variation 1017234 (VCV001017234.8), dbSNP rs762016621, ClinGen allele CA383455016.

ClinVar aggregate classification (germline): Uncertain significance (1 of 4 stars; one submission).

Conditions:
Episodic ataxia type 1 (EA1). Also called: ATAXIA, EPISODIC, WITH MYOKYMIA; Episodic ataxia/myokymia syndrome; MYOKYMIA WITH PERIODIC ATAXIA; PAROXYSMAL ATAXIA WITH NEUROMYOTONIA, HEREDITARY. Identifiers: Orphanet 37612, Orphanet 972, MedGen C1719788, MONDO:0008047, OMIM 160120.

Allele frequency attached by ClinVar (database versions not stated): TOPMed below 0.00001.
gnomAD v4.1: 1 of 1,614,104 alleles (0.000062%); highest among the groups gnomAD compares: Admixed American, 0.0017%; no homozygotes.

Submission:

Labcorp Genetics (formerly Invitae), Labcorp
Classification: Uncertain significance for Episodic ataxia type 1. Last evaluated: 2020-07-20. Review status: criteria provided, single submitter. Criteria: Invitae Variant Classification Sherloc (09022015). Collection method: clinical testing. Allele origin: germline.
Comment: This sequence change replaces asparagine with isoleucine at codon 215 of the KCNA1 protein (p.Asn215Ile). The asparagine residue is highly conserved and there is a large physicochemical difference between asparagine and isoleucine. This variant is not present in population databases (ExAC no frequency). This variant has not been reported in the literature in individuals with KCNA1-related conditions. Algorithms developed to predict the effect of missense changes on protein structure and function are either unavailable or do not agree on the potential impact of this missense change (SIFT: "Deleterious"; PolyPhen-2: "Benign"; Align-GVGD: "Class C35"). In summary, the available evidence is currently insufficient to determine the role of this variant in disease. Therefore, it has been classified as a Variant of Uncertain Significance.